The following is an entry in ClinVar:

NM_173495.3(PTCHD1):c.974A>G (p.Tyr325Cys)

Gene: PTCHD1 (patched domain containing 1; plus strand). Cytogenetic location: Xp22.11.
Variant type: single nucleotide variant.
Coding change: c.974A>G on transcript NM_173495.3 (MANE Select); coding-DNA position 974, A replaced by G.
Protein change: p.Tyr325Cys; replaces tyrosine 325 with cysteine.
Molecular consequence: missense variant.
Genome position (GRCh38, 1-based): chrX:23,380,213, A>G. VCF-style: chrX-23380213-A-G. GRCh37 (hg19) VCF-style: chrX-23398330-A-G.
Other names: short protein forms Y325C.
Identifiers: ClinVar variation 3383118 (VCV003383118.2).
Genomic context (GRCh38, chrX:23,380,213, plus strand): 5'-TGACCATAAGCCTGGCCACTCTCACTGCAGCCGGGATCATCAATCTTACTGGTGGGAAAT[A>G]TAATTCCACCTTCCTGGGAGTCCCTTTCGTCATGCTAGGTAATTACTACTCTTCTTTCTT-3'
Protein context (NP_775766.2, residues 315-335): AGIINLTGGK[Tyr325Cys]NSTFLGVPFV

ClinVar aggregate classification (germline): Uncertain significance (1 of 4 stars; one submission).

Conditions:
Autism, susceptibility to, X-linked 4 (AUTSX4). Identifiers: MedGen C0795888, MONDO:0010440, OMIM 300830.

Submission:

Juno Genomics, Hangzhou Juno Genomics, Inc
Classification: Uncertain significance for Autism, susceptibility to, X-linked 4. Review status: criteria provided, single submitter. Criteria: ACMG Guidelines, 2015. Collection method: clinical testing. Allele origin: germline. Affected: yes.
Comment: Absent from controls (or at extremely low frequency if recessive) in Genome Aggregation Database, Exome Sequencing Project, 1000 Genomes Project, or Exome Aggregation Consortium.;Multiple lines of computational evidence support a deleterious effect on the gene or gene product (conservation, evolutionary, splicing impact, etc).